The following is an entry in ClinVar:

NM_001197104.2(KMT2A):c.3647A>G (p.Lys1216Arg)

Gene: KMT2A (lysine methyltransferase 2A; plus strand). Cytogenetic location: 11q23.3.
Variant type: single nucleotide variant.
Coding change: c.3647A>G on transcript NM_001197104.2 (MANE Select); coding-DNA position 3647, A replaced by G.
Protein change: p.Lys1216Arg; replaces lysine 1216 with arginine.
Molecular consequence: missense variant.
Genome position (GRCh38, 1-based): chr11:118,481,727, A>G. VCF-style: chr11-118481727-A-G. GRCh37 (hg19) VCF-style: chr11-118352442-A-G.
Other names: c.3746A>G, p.Lys1249Arg (NM_001412597.1); c.3647A>G, p.Lys1216Arg (NM_005933.4); short protein forms K1216R, K1249R.
Identifiers: ClinVar variation 4800532 (VCV004800532.1).

ClinVar aggregate classification (germline): Uncertain significance (1 of 4 stars; one submission).

Submission:

Labcorp Genetics (formerly Invitae), Labcorp
Classification: Uncertain significance. Last evaluated: 2025-03-17. Review status: criteria provided, single submitter. Criteria: Invitae Variant Classification Sherloc (09022015). Collection method: clinical testing. Allele origin: germline.
Comment: This sequence change replaces lysine, which is basic and polar, with arginine, which is basic and polar, at codon 1216 of the KMT2A protein (p.Lys1216Arg). This variant is not present in population databases (gnomAD no frequency). This variant has not been reported in the literature in individuals affected with KMT2A-related conditions. Invitae Evidence Modeling of protein sequence and biophysical properties (such as structural, functional, and spatial information, amino acid conservation, physicochemical variation, residue mobility, and thermodynamic stability) has been performed for this missense variant. However, the output from this modeling did not meet the statistical confidence thresholds required to predict the impact of this variant on KMT2A protein function. In summary, the available evidence is currently insufficient to determine the role of this variant in disease. Therefore, it has been classified as a Variant of Uncertain Significance.